The following is an entry in ClinVar:

NM_000426.4(LAMA2):c.3144C>T (p.Thr1048=)

Gene: LAMA2 (laminin subunit alpha 2; plus strand). Cytogenetic location: 6q22.33.
Variant type: single nucleotide variant.
Coding change: c.3144C>T on transcript NM_000426.4 (MANE Select); coding-DNA position 3144, C replaced by T.
Protein change: p.Thr1048=; no amino-acid change (threonine 1048 retained).
Molecular consequence: synonymous variant.
Genome position (GRCh38, 1-based): chr6:129,300,842, C>T. VCF-style: chr6-129300842-C-T. GRCh37 (hg19) VCF-style: chr6-129621987-C-T.
Other names: p.Thr1048=; c.3144C>T (NM_000426.3); c.3144C>T, p.Thr1048= (NM_001079823.2).
Identifiers: ClinVar variation 1136029 (VCV001136029.13), dbSNP rs147249027, ClinGen allele CA3993177.

ClinVar aggregate classification (germline): Likely benign. Review status: criteria provided, multiple submitters, no conflicts (2 of 4 stars). 4 submissions from 4 submitters: Likely benign (2). 2 of the submissions do not count toward it. Last evaluated 2025-07-15.

Conditions:
LAMA2-related muscular dystrophy (LAMA2-RD). Also called: Laminin alpha 2-related dystrophy. Identifiers: MedGen C5679788, MONDO:0100228.

Allele frequency attached by ClinVar (database versions not stated): ExAC 0.00001; gnomAD 0.00002; TOPMed 0.00002.
gnomAD v4.1: 26 of 1,613,692 alleles (0.0016%); highest among the groups gnomAD compares: Non-Finnish European, 0.0022%; no homozygotes.

Submissions (4):

Mayo Clinic Laboratories, Mayo Clinic
Classification: Likely benign. Last evaluated: 2025-07-15. Review status: criteria provided, single submitter. Criteria: ACMG Guidelines, 2015. Collection method: clinical testing. Allele origin: germline. Observed: 1 variant allele.
Comment: BP4, BP7

Labcorp Genetics (formerly Invitae), Labcorp
Classification: Likely benign for LAMA2-related muscular dystrophy. Last evaluated: 2024-02-17. Review status: criteria provided, single submitter. Criteria: Invitae Variant Classification Sherloc (09022015). Collection method: clinical testing. Allele origin: germline.

Clinical Genetics DNA and cytogenetics Diagnostics Lab, Erasmus MC, Erasmus Medical Center
Classification: Likely benign. Review status: no assertion criteria provided. Collection method: clinical testing. Allele origin: germline. Affected: yes. Study: VKGL Data-share Consensus. Not counted in ClinVar's aggregate classification.

Joint Genome Diagnostic Labs from Nijmegen and Maastricht, Radboudumc and MUMC+
Classification: Likely benign. Review status: no assertion criteria provided. Collection method: clinical testing. Allele origin: germline. Affected: yes. Study: VKGL Data-share Consensus. Not counted in ClinVar's aggregate classification.